The following is an entry in ClinVar:

ClinVar aggregate classification (germline): Uncertain significance (1 of 4 stars; one submission).

Submission:

Ambry Genetics
Classification: Uncertain significance. Last evaluated: 2026-04-11. Review status: criteria provided, single submitter. Criteria: Ambry Variant Classification Scheme 2023. Collection method: clinical testing. Allele origin: germline.
Comment: The p.L155F variant (also known as c.463C>T), located in coding exon 1 of the MLH3 gene, results from a C to T substitution at nucleotide position 463. The leucine at codon 155 is replaced by phenylalanine, an amino acid with highly similar properties. This amino acid position is conserved. In addition, the in silico prediction for this alteration is inconclusive. Based on the available evidence, the clinical significance of this variant remains unclear.

NM_001040108.2(MLH3):c.463C>T (p.Leu155Phe)

Gene: MLH3 (mutL homolog 3; minus strand). Cytogenetic location: 14q24.3.
Variant type: single nucleotide variant.
Coding change: c.463C>T on transcript NM_001040108.2 (MANE Select); coding-DNA position 463, C replaced by T.
Protein change: p.Leu155Phe; replaces leucine 155 with phenylalanine.
Molecular consequence: missense variant.
Genome position (GRCh38, 1-based): chr14:75,049,193, G>A on the plus strand (C>T on the coding strand, the complement: MLH3 is on the minus strand). VCF-style: chr14-75049193-G-A. GRCh37 (hg19) VCF-style: chr14-75515896-G-A.
Other names: c.463C>T, p.Leu155Phe (NM_014381.3); short protein forms L155F.
Identifiers: ClinVar variation 4860181 (VCV004860181.1).
Genomic context (GRCh38, chr14:75,049,193, plus strand): 5'-TTCTCTGCCTAACCTTCTCAAACTCCAGTCTAGGGTCCATGCATTTCCTCCTTACAGGAA[G>A]CTGGTAAAATAGGTTATACACTGTTACAGTAGTCCCAGCGCTTGCTCTAGTCACATCAGC-3'
Protein context (NP_001035197.1, residues 145-165): TVTVYNLFYQ[Leu155Phe]PVRRKCMDPR